The following is an entry in ClinVar:

ClinVar aggregate classification (germline): Uncertain significance (1 of 4 stars; one submission).

Allele frequency attached by ClinVar (database versions not stated): gnomAD exomes below 0.00001; TOPMed 0.00001.
gnomAD v4.1: 3 of 1,613,592 alleles (0.00019%); highest among the groups gnomAD compares: Non-Finnish European, 0.00025%; no homozygotes.

Submission:

Labcorp Genetics (formerly Invitae), Labcorp
Classification: Uncertain significance. Last evaluated: 2024-11-05. Review status: criteria provided, single submitter. Criteria: Invitae Variant Classification Sherloc (09022015). Collection method: clinical testing. Allele origin: germline.
Comment: This sequence change replaces proline, which is neutral and non-polar, with serine, which is neutral and polar, at codon 4043 of the LRP2 protein (p.Pro4043Ser). This variant is not present in population databases (gnomAD no frequency). This variant has not been reported in the literature in individuals affected with LRP2-related conditions. ClinVar contains an entry for this variant (Variation ID: 1439718). Invitae Evidence Modeling of protein sequence and biophysical properties (such as structural, functional, and spatial information, amino acid conservation, physicochemical variation, residue mobility, and thermodynamic stability) indicates that this missense variant is not expected to disrupt LRP2 protein function with a negative predictive value of 95%. In summary, the available evidence is currently insufficient to determine the role of this variant in disease. Therefore, it has been classified as a Variant of Uncertain Significance.

NM_004525.3(LRP2):c.12127C>T (p.Pro4043Ser)

Gene: LRP2 (LDL receptor related protein 2; minus strand). Cytogenetic location: 2q31.1.
Variant type: single nucleotide variant.
Coding change: c.12127C>T on transcript NM_004525.3 (MANE Select); coding-DNA position 12127, C replaced by T.
Protein change: p.Pro4043Ser; replaces proline 4043 with serine.
Molecular consequence: missense variant.
Genome position (GRCh38, 1-based): chr2:169,156,298, G>A on the plus strand (C>T on the coding strand, the complement: LRP2 is on the minus strand). VCF-style: chr2-169156298-G-A. GRCh37 (hg19) VCF-style: chr2-170012808-G-A.
Other names: short protein forms P4043S.
Identifiers: ClinVar variation 1439718 (VCV001439718.6), dbSNP rs887207902, ClinGen allele CA59899451.